The following is an entry in ClinVar:

NM_001165967.2(HES7):c.184G>T (p.Ala62Ser)

Gene: HES7 (hes family bHLH transcription factor 7; minus strand). Cytogenetic location: 17p13.1.
Variant type: single nucleotide variant.
Coding change: c.184G>T on transcript NM_001165967.2 (MANE Select); coding-DNA position 184, G replaced by T.
Protein change: p.Ala62Ser; replaces alanine 62 with serine.
Molecular consequence: missense variant.
Genome position (GRCh38, 1-based): chr17:8,122,385, C>A on the plus strand (G>T on the coding strand, the complement: HES7 is on the minus strand). VCF-style: chr17-8122385-C-A. GRCh37 (hg19) VCF-style: chr17-8025703-C-A.
Other names: c.184G>T, p.Ala62Ser (NM_032580.4); short protein forms A62S.
Identifiers: ClinVar variation 1482334 (VCV001482334.8), dbSNP rs368366222, ClinGen allele CA287537693.

ClinVar aggregate classification (germline): Uncertain significance (1 of 4 stars; one submission).

Submission:

Labcorp Genetics (formerly Invitae), Labcorp
Classification: Uncertain significance. Last evaluated: 2020-11-07. Review status: criteria provided, single submitter. Criteria: Invitae Variant Classification Sherloc (09022015). Collection method: clinical testing. Allele origin: germline.
Comment: In summary, the available evidence is currently insufficient to determine the role of this variant in disease. Therefore, it has been classified as a Variant of Uncertain Significance. Algorithms developed to predict the effect of missense changes on protein structure and function are either unavailable or do not agree on the potential impact of this missense change (SIFT: "Tolerated"; PolyPhen-2: "Probably Damaging"; Align-GVGD: "Class C0"). This variant has been observed in individual(s) with clinical features of spondylocostal dysostosis (Invitae). This variant is not present in population databases (ExAC no frequency). This sequence change replaces alanine with serine at codon 62 of the HES7 protein (p.Ala62Ser). The alanine residue is highly conserved and there is a moderate physicochemical difference between alanine and serine.